The following is an entry in ClinVar:

ClinVar aggregate classification (germline): Uncertain significance (1 of 4 stars; one submission).

Conditions:
Hereditary nonpolyposis colorectal neoplasms. Identifiers: MedGen C0009405, MeSH D003123.

Submission:

Labcorp Genetics (formerly Invitae), Labcorp
Classification: Uncertain significance for Hereditary nonpolyposis colorectal neoplasms. Last evaluated: 2025-04-26. Review status: criteria provided, single submitter. Criteria: Invitae Variant Classification Sherloc (09022015). Collection method: clinical testing. Allele origin: germline.
Comment: This sequence change replaces valine, which is neutral and non-polar, with leucine, which is neutral and non-polar, at codon 304 of the MSH6 protein (p.Val304Leu). This variant is not present in population databases (gnomAD no frequency). This variant has not been reported in the literature in individuals affected with MSH6-related conditions. Invitae Evidence Modeling of protein sequence and biophysical properties (such as structural, functional, and spatial information, amino acid conservation, physicochemical variation, residue mobility, and thermodynamic stability) indicates that this missense variant is not expected to disrupt MSH6 protein function with a negative predictive value of 95%. In summary, the available evidence is currently insufficient to determine the role of this variant in disease. Therefore, it has been classified as a Variant of Uncertain Significance.

NM_000179.3(MSH6):c.910G>T (p.Val304Leu)

Gene: MSH6 (mutS homolog 6; plus strand). Cytogenetic location: 2p16.3.
Variant type: single nucleotide variant.
Coding change: c.910G>T on transcript NM_000179.3 (MANE Select); coding-DNA position 910, G replaced by T.
Protein change: p.Val304Leu; replaces valine 304 with leucine.
Molecular consequence: missense variant. On other transcripts: non-coding transcript variant (4), intron variant (1).
Genome position (GRCh38, 1-based): chr2:47,798,893, G>T. VCF-style: chr2-47798893-G-T. GRCh37 (hg19) VCF-style: chr2-48026032-G-T.
Other names: c.385G>T, p.Val129Leu (NM_001406807.1, NM_001406799.1, NM_001406806.1); c.910G>T, p.Val304Leu (NM_001406808.1, NM_001406809.1, NM_001406817.1 and 4 more transcripts); c.4G>T, p.Val2Leu (NM_001406811.1, NM_001406812.1, NM_001406814.1 and 6 more transcripts); c.916G>T, p.Val306Leu (NM_001406813.1); c.613G>T, p.Val205Leu (NM_001406818.1, NM_001406819.1, NM_001406820.1 and 10 more transcripts); c.742G>T, p.Val248Leu (NM_001406826.1); c.628-1773G>T (NM_001407362.1); c.520G>T, p.Val174Leu (NM_001281492.2); and 2 more; short protein forms V129L, V174L, V205L, V248L, V278L, V2L, V304L, V306L.
Identifiers: ClinVar variation 4800191 (VCV004800191.1).